The following is an entry in ClinVar:

NM_001854.4(COL11A1):c.4303-14_4303-13del

Gene: COL11A1 (collagen type XI alpha 1 chain; minus strand). Cytogenetic location: 1p21.1.
Variant type: Deletion.
Coding change: c.4303-14_4303-13del on transcript NM_001854.4 (MANE Select); 14 bases into the intron before coding-DNA position 4303 through 13 bases into the intron before coding-DNA position 4303, 2 bases deleted (TT; older notation c.4303-14_4303-13delTT).
Molecular consequence: intron variant.
Genome position (GRCh38, 1-based): chr1:102,890,517-102,890,518, AA deleted on the plus strand (TT on the coding strand, the reverse complement: COL11A1 is on the minus strand); deleting any 2 consecutive bases within chr1:102,890,517-102,890,526 gives the same sequence; the c. name uses the placement nearest the transcript's 3' end. VCF-style (leftmost placement, unchanged base first): chr1-102890516-CAA-C. GRCh37 (hg19) VCF-style: chr1-103356072-CAA-C.
Other names: c.4186-14_4186-13del (NM_001190709.2); c.4339-14_4339-13del (NM_080629.3); c.3955-14_3955-13del (NM_080630.4); c.4303-14_4303-13delTT (NM_001854.4).
Identifiers: ClinVar variation 1935780 (VCV001935780.7), dbSNP rs35232764, ClinGen allele CA973592.
Genomic context (GRCh38, chr1:102,890,516, plus strand): 5'-CACCCTTGGAGCCAGGGTCACCTTTGAGACCAGGTAAGCCAGGAGGTCCCTAAATAATAA[CAA>C]AAAAAAAACCCCAAAACAAAAACAGAGTAGGTATGAATTAGAGAATCCTATAACTAGTCA-3'

ClinVar aggregate classification (germline): Likely benign. Review status: criteria provided, multiple submitters, no conflicts (2 of 4 stars). 2 submissions from 2 submitters: Likely benign (2). Last evaluated 2025-04-23.

Submissions (2):

Women's Health and Genetics/Laboratory Corporation of America, LabCorp
Classification: Likely benign. Last evaluated: 2025-04-23. Review status: criteria provided, single submitter. Criteria: LabCorp Variant Classification Summary - May 2015. Collection method: clinical testing. Allele origin: germline.
Comment: Variant summary: COL11A1 c.4303-14_4303-13delTT alters a conserved nucleotide located at a position not widely known to affect splicing. Consensus agreement among computation tools predict no significant impact on normal splicing. However, these predictions have yet to be confirmed by functional studies. The frequency data for this variant in gnomAD is considered unreliable, as metrics indicate poor data quality at this position. To our knowledge, no occurrence of c.4303-14_4303-13delTT in individuals affected with Stickler Syndrome and no experimental evidence demonstrating its impact on protein function have been reported. ClinVar contains an entry for this variant (Variation ID: 1935780). Based on the evidence outlined above, the variant was classified as likely benign.

Labcorp Genetics (formerly Invitae), Labcorp
Classification: Likely benign. Last evaluated: 2024-02-05. Review status: criteria provided, single submitter. Criteria: Invitae Variant Classification Sherloc (09022015). Collection method: clinical testing. Allele origin: germline.